The following is an entry in ClinVar:

NM_000268.4(NF2):c.1738-4_1741delinsG

Gene: NF2 (NF2, moesin-ezrin-radixin like (MERLIN) tumor suppressor; plus strand). Cytogenetic location: 22q12.2.
Variant type: Indel.
Coding change: c.1738-4_1741delinsG on transcript NM_000268.4 (MANE Select); 4 bases into the intron before coding-DNA position 1738 through coding-DNA position 1741, ACAGCTCA replaced by G.
Molecular consequence: splice acceptor variant.
Genome position (GRCh38, 1-based): chr22:29,694,748-29,694,755, ACAGCTCA replaced by G. VCF-style: chr22-29694748-ACAGCTCA-G. GRCh37 (hg19) VCF-style: chr22-30090737-ACAGCTCA-G.
Other names: c.*10-4_*13delinsG (NM_016418.5, NM_181829.3, NM_181828.3 and 1 more transcripts); c.*25-4_*28delinsG (NM_181832.3); c.448-4_451delinsG (NM_181833.3).
Identifiers: ClinVar variation 457909 (VCV000457909.7), dbSNP rs1556008383, ClinGen allele CA658658914.

ClinVar aggregate classification (germline): Uncertain significance (1 of 4 stars; one submission).

Conditions:
Neurofibromatosis, type 2 (SWNV). Also called: BILATERAL ACOUSTIC NEUROFIBROMATOSIS; SCHWANNOMATOSIS, VESTIBULAR; NF2-Related Schwannomatosis. Identifiers: Orphanet 637, MedGen C0027832, MONDO:0007039, OMIM 101000. Disease mechanism: loss of function.

Submission:

Labcorp Genetics (formerly Invitae), Labcorp
Classification: Uncertain significance for Neurofibromatosis, type 2. Last evaluated: 2019-06-14. Review status: criteria provided, single submitter. Criteria: Invitae Variant Classification Sherloc (09022015). Collection method: clinical testing. Allele origin: germline.
Comment: In summary, the available evidence is currently insufficient to determine the role of this variant in disease. Therefore, it has been classified as a Variant of Uncertain Significance. Nucleotide substitutions within the consensus splice site are a relatively common cause of aberrant splicing (PMID: 17576681, 9536098). Algorithms developed to predict the effect of sequence changes on RNA splicing suggest that this variant may disrupt the consensus splice site, but this prediction has not been confirmed by published transcriptional studies. This variant has not been reported in the literature in individuals with NF2-related conditions. ClinVar contains an entry for this variant (Variation ID: 457909). This variant is not present in population databases (ExAC no frequency). This sequence change affects an acceptor splice site in the last intron (intron 15) of the NF2 gene. While this is not anticipated to result in nonsense mediated decay, it likely alters RNA splicing and results in a disrupted protein product.

Literature cited by the submitters: PubMed 17576681; PubMed 9536098.